The following is an entry in ClinVar:

NM_004727.3(SLC24A1):c.581G>A (p.Gly194Asp)

Gene: SLC24A1 (solute carrier family 24 member 1; plus strand). Cytogenetic location: 15q22.31.
Variant type: single nucleotide variant.
Coding change: c.581G>A on transcript NM_004727.3 (MANE Select); coding-DNA position 581, G replaced by A.
Protein change: p.Gly194Asp; replaces glycine 194 with aspartic acid.
Molecular consequence: missense variant.
Genome position (GRCh38, 1-based): chr15:65,624,661, G>A. VCF-style: chr15-65624661-G-A. GRCh37 (hg19) VCF-style: chr15-65916999-G-A.
Other names: c.581G>A, p.Gly194Asp (NM_001301031.1, NM_001301032.1, NM_001301033.2 and 1 more transcripts); short protein forms G194D.
Identifiers: ClinVar variation 2110492 (VCV002110492.4), dbSNP rs1200054197, ClinGen allele CA392914275.

ClinVar aggregate classification (germline): Uncertain significance (1 of 4 stars; one submission).

Allele frequency attached by ClinVar (database versions not stated): TOPMed 0.00001.

Submission:

Labcorp Genetics (formerly Invitae), Labcorp
Classification: Uncertain significance. Last evaluated: 2022-09-27. Review status: criteria provided, single submitter. Criteria: Invitae Variant Classification Sherloc (09022015). Collection method: clinical testing. Allele origin: germline.
Comment: In summary, the available evidence is currently insufficient to determine the role of this variant in disease. Therefore, it has been classified as a Variant of Uncertain Significance. Algorithms developed to predict the effect of missense changes on protein structure and function are either unavailable or do not agree on the potential impact of this missense change (SIFT: "Deleterious"; PolyPhen-2: "Benign"; Align-GVGD: "Class C0"). This variant has not been reported in the literature in individuals affected with SLC24A1-related conditions. This variant is not present in population databases (gnomAD no frequency). This sequence change replaces glycine, which is neutral and non-polar, with aspartic acid, which is acidic and polar, at codon 194 of the SLC24A1 protein (p.Gly194Asp).